The following is an entry in ClinVar:

NM_017654.4(SAMD9):c.2831T>C (p.Ile944Thr)

Gene: SAMD9 (sterile alpha motif domain containing 9; minus strand). Cytogenetic location: 7q21.2.
Variant type: single nucleotide variant.
Coding change: c.2831T>C on transcript NM_017654.4 (MANE Select); coding-DNA position 2831, T replaced by C.
Protein change: p.Ile944Thr; replaces isoleucine 944 with threonine.
Molecular consequence: missense variant.
Genome position (GRCh38, 1-based): chr7:93,103,267, A>G on the plus strand (T>C on the coding strand, the complement: SAMD9 is on the minus strand). VCF-style: chr7-93103267-A-G. GRCh37 (hg19) VCF-style: chr7-92732580-A-G.
Other names: c.2831T>C, p.Ile944Thr (NM_001193307.2); short protein forms I944T.
Identifiers: ClinVar variation 2631682 (VCV002631682.3), dbSNP rs1261886731, ClinGen allele CA368189449.

ClinVar aggregate classification (germline): Uncertain significance. Review status: criteria provided, multiple submitters, no conflicts (2 of 4 stars). 3 submissions from 3 submitters: Uncertain significance (3). Last evaluated 2025-04-29.

Conditions:
SAMD9-related disorder. Also called: SAMD9-related condition.
Inborn genetic diseases. Identifiers: MedGen C0950123, MeSH D030342.

gnomAD v4.1: 4 of 1,613,662 alleles (0.00025%); highest among the groups gnomAD compares: Non-Finnish European, 0.00034%; no homozygotes.

Submissions (3):

GeneDx
Classification: Uncertain significance. Last evaluated: 2025-04-29. Review status: criteria provided, single submitter. Criteria: GeneDx Variant Classification Process June 2021. Collection method: clinical testing. Allele origin: germline. Affected: yes.
Comment: Not observed at significant frequency in large population cohorts (gnomAD); In silico analysis supports that this missense variant has a deleterious effect on protein structure/function; Has not been previously published as pathogenic or benign to our knowledge; This variant is associated with the following publications: (PMID: 28545555)

Ambry Genetics
Classification: Uncertain significance for Inborn genetic diseases. Last evaluated: 2024-12-22. Review status: criteria provided, single submitter. Criteria: Ambry Variant Classification Scheme 2023. Collection method: clinical testing. Allele origin: germline.
Comment: The p.I944T variant (also known as c.2831T>C), located in coding exon 1 of the SAMD9 gene, results from a T to C substitution at nucleotide position 2831. The isoleucine at codon 944 is replaced by threonine, an amino acid with similar properties. This amino acid position is conserved. In addition, this alteration is predicted to be tolerated by in silico analysis. Based on the available evidence, the clinical significance of this variant remains unclear.

PreventionGenetics, part of Exact Sciences
Classification: Uncertain significance for SAMD9-related condition. Last evaluated: 2023-07-31. Review status: criteria provided, single submitter. Criteria: ACMG Guidelines, 2015. Collection method: clinical testing. Allele origin: germline.
Comment: The SAMD9 c.2831T>C variant is predicted to result in the amino acid substitution p.Ile944Thr. To our knowledge, this variant has not been reported in the literature or in a large population database, indicating this variant is rare. At this time, the clinical significance of this variant is uncertain due to the absence of conclusive functional and genetic evidence.